The following is an entry in ClinVar:

NM_000883.4(IMPDH1):c.382G>T (p.Asp128Tyr)

Gene: IMPDH1 (inosine monophosphate dehydrogenase 1; minus strand). Cytogenetic location: 7q32.1.
Variant type: single nucleotide variant.
Coding change: c.382G>T on transcript NM_000883.4 (MANE Select); coding-DNA position 382, G replaced by T.
Protein change: p.Asp128Tyr; replaces aspartic acid 128 with tyrosine.
Molecular consequence: missense variant.
Genome position (GRCh38, 1-based): chr7:128,403,726, C>A on the plus strand (G>T on the coding strand, the complement: IMPDH1 is on the minus strand). VCF-style: chr7-128403726-C-A. GRCh37 (hg19) VCF-style: chr7-128043780-C-A.
Other names: c.352G>T, p.Asp118Tyr (NM_001102605.2); c.127G>T, p.Asp43Tyr (NM_001142573.2, NM_001142574.2, NM_001142575.2); c.283G>T, p.Asp95Tyr (NM_001142576.2); c.175G>T, p.Asp59Tyr (NM_001304521.2); c.274G>T, p.Asp92Tyr (NM_183243.3); short protein forms D95Y, D118Y, D128Y, D43Y, D59Y, D92Y.
Identifiers: ClinVar variation 2817794 (VCV002817794.3), dbSNP rs1239309977, ClinGen allele CA369176058.
Genomic context (GRCh38, chr7:128,403,726, plus strand): 5'-TACACAGCCCCCTCCCCTTGTCAAAGGAAGAGGTACTCACCACCTCATCAGCTATGAAGT[C>A]TATGAATCCTGGGAGAATCAGGAAGTCGCTGTGAAGACAGAGAAGTGAGTGTTATTAGTG-3'
Protein context (NP_000874.2, residues 118-138): NDFLILPGFI[Asp128Tyr]FIADEVDLTS

ClinVar aggregate classification (germline): Uncertain significance (1 of 4 stars; one submission).

Submission:

Labcorp Genetics (formerly Invitae), Labcorp
Classification: Uncertain significance. Last evaluated: 2023-03-21. Review status: criteria provided, single submitter. Criteria: Invitae Variant Classification Sherloc (09022015). Collection method: clinical testing. Allele origin: germline.
Comment: This sequence change replaces aspartic acid, which is acidic and polar, with tyrosine, which is neutral and polar, at codon 128 of the IMPDH1 protein (p.Asp128Tyr). This variant is not present in population databases (gnomAD no frequency). This variant has not been reported in the literature in individuals affected with IMPDH1-related conditions. An algorithm developed to predict the effect of missense changes on protein structure and function (PolyPhen-2) suggests that this variant is likely to be disruptive. In summary, the available evidence is currently insufficient to determine the role of this variant in disease. Therefore, it has been classified as a Variant of Uncertain Significance.